The following is an entry in ClinVar:

NM_024642.5(GALNT12):c.842G>A (p.Trp281Ter)

Gene: GALNT12 (polypeptide N-acetylgalactosaminyltransferase 12; plus strand). Cytogenetic location: 9q22.33.
Variant type: single nucleotide variant.
Coding change: c.842G>A on transcript NM_024642.5 (MANE Select); coding-DNA position 842, G replaced by A.
Protein change: p.Trp281Ter; replaces tryptophan 281 with a stop codon.
Molecular consequence: nonsense.
Genome position (GRCh38, 1-based): chr9:98,831,882, G>A. VCF-style: chr9-98831882-G-A. GRCh37 (hg19) VCF-style: chr9-101594164-G-A.
Other names: short protein forms W281*.
Identifiers: ClinVar variation 1763351 (VCV001763351.2), dbSNP rs746110126, ClinGen allele CA5154076.

ClinVar aggregate classification (germline): Uncertain significance (1 of 4 stars; one submission).

Allele frequency attached by ClinVar (database versions not stated): gnomAD exomes below 0.00001; ExAC 0.00002.
gnomAD v4.1: 2 of 1,614,160 alleles (0.00012%); highest among the groups gnomAD compares: East Asian, 0.0022%; no homozygotes.

Submission:

Ambry Genetics
Classification: Uncertain significance. Last evaluated: 2022-03-29. Review status: criteria provided, single submitter. Criteria: Ambry Variant Classification Scheme 2023. Collection method: clinical testing. Allele origin: germline.
Comment: The p.W281* variant (also known as c.842G>A), located in coding exon 4 of the GALNT12 gene, results from a G to A substitution at nucleotide position 842. This changes the amino acid from a tryptophan to a stop codon within coding exon 4. This alteration is expected to result in loss of function by premature protein truncation or nonsense-mediated mRNA decay. The evidence for this gene-disease relationship is limited; therefore, the clinical significance of this alteration is unclear.